The following is an entry in ClinVar:

ClinVar aggregate classification (germline): Uncertain significance (1 of 4 stars; one submission).

Conditions:
Neuroblastoma, susceptibility to, 3. Also called: ALK-Related Neuroblastic Tumor Susceptibility. Identifiers: Orphanet 635, MedGen C2751681, MONDO:0013083, OMIM 613014.

Submission:

Labcorp Genetics (formerly Invitae), Labcorp
Classification: Uncertain significance for Neuroblastoma, susceptibility to, 3. Last evaluated: 2024-10-29. Review status: criteria provided, single submitter. Criteria: Invitae Variant Classification Sherloc (09022015). Collection method: clinical testing. Allele origin: germline.
Comment: This sequence change creates a premature translational stop signal (p.Arg1464Profs*14) in the ALK gene. While this is not anticipated to result in nonsense mediated decay, it is expected to disrupt the last 157 amino acid(s) of the ALK protein. This variant is not present in population databases (gnomAD no frequency). This variant has not been reported in the literature in individuals affected with ALK-related conditions. Experimental studies and prediction algorithms are not available or were not evaluated, and the functional significance of this variant is currently unknown. In summary, the available evidence is currently insufficient to determine the role of this variant in disease. Therefore, it has been classified as a Variant of Uncertain Significance.

NM_004304.5(ALK):c.4390_4391insCA (p.Arg1464fs)

Gene: ALK (ALK receptor tyrosine kinase; minus strand). Cytogenetic location: 2p23.2.
Variant type: Insertion.
Coding change: c.4390_4391insCA on transcript NM_004304.5 (MANE Select); coding-DNA positions 4390 to 4391, CA inserted.
Protein change: p.Arg1464fs; shifts the reading frame from arginine 1464.
Molecular consequence: frameshift variant.
Genome position: GRCh38 VCF-style: chr2-29193696-C-CTG. GRCh37 (hg19) VCF-style: chr2-29416562-C-CTG.
Other names: c.1186_1187insCA, p.Arg396fs (NM_001353765.2); short protein forms R396fs, R1464fs.
Identifiers: ClinVar variation 3664923 (VCV003664923.2).
Genomic context (GRCh38, chr2:29,193,696, plus strand): 5'-TTGGACTGAGAGAATGCCATATTCACGTGTCCCCCTTCCACGGCCGGCCCTCTAGGGACT[C>CTG]GAACAGAGATCTCTGCAGCTGTGGGTTTCTTTGCAGCCTTGCCAGAGGAGGTGGTAGGCA-3'